The following is an entry in ClinVar:

NM_000037.4(ANK1):c.3045C>T (p.Ser1015=)

Gene: ANK1 (ankyrin 1; minus strand). Cytogenetic location: 8p11.21.
Variant type: single nucleotide variant.
Coding change: c.3045C>T on transcript NM_000037.4 (MANE Select); coding-DNA position 3045, C replaced by T.
Protein change: p.Ser1015=; no amino-acid change (serine 1015 retained).
Molecular consequence: synonymous variant.
Genome position (GRCh38, 1-based): chr8:41,695,247, G>A on the plus strand (C>T on the coding strand, the complement: ANK1 is on the minus strand). VCF-style: chr8-41695247-G-A. GRCh37 (hg19) VCF-style: chr8-41552765-G-A.
Other names: c.3168C>T, p.Ser1056= (NM_001142446.2); c.3045C>T, p.Ser1015= (NM_020475.3, NM_020476.3, NM_020477.3).
Identifiers: ClinVar variation 761722 (VCV000761722.10), dbSNP rs112451551, ClinGen allele CA4727995.
Genomic context (GRCh38, chr8:41,695,247, plus strand): 5'-CCCGTTGAGGATCTGATCCAGGTAGCTCTCTCCATAGCGGCTCCTGTGCTCCTTCCACAC[G>A]GAGCCGTTTTCGCTCCTCAGAACCACGAGCTCGCGGTCTCCACGGCCATGGGAGGCAAAG-3'
Protein context (NP_000028.3, residues 1005-1025): ELVVLRSENG[Ser1015=]VWKEHRSRYG

ClinVar aggregate classification (germline): Likely benign. Review status: criteria provided, multiple submitters, no conflicts (2 of 4 stars). 2 submissions from 2 submitters: Likely benign (2). Last evaluated 2025-12-19.

Allele frequency attached by ClinVar (database versions not stated): gnomAD exomes 0.00010; ExAC 0.00012; gnomAD 0.00012 and 0.00014; TOPMed 0.00019.
gnomAD v4.1: 210 of 1,613,894 alleles (0.013%); highest among the groups gnomAD compares: Non-Finnish European, 0.017%; no homozygotes.

Submissions (2):

Labcorp Genetics (formerly Invitae), Labcorp
Classification: Likely benign. Last evaluated: 2025-12-19. Review status: criteria provided, single submitter. Criteria: Invitae Variant Classification Sherloc (09022015). Collection method: clinical testing. Allele origin: germline.

CeGaT Center for Human Genetics Tuebingen
Classification: Likely benign. Last evaluated: 2025-10-01. Review status: criteria provided, single submitter. Criteria: CeGaT Center For Human Genetics Tuebingen Variant Classification Criteria Version 2. Collection method: clinical testing. Allele origin: germline. Affected: yes. Observed: 1 variant allele.
Comment: ANK1: BP4, BP7